The following is an entry in ClinVar:

NM_001710.6(CFB):c.1748A>G (p.Lys583Arg)

Gene: CFB (complement factor B; plus strand). Cytogenetic location: 6p21.33.
Variant type: single nucleotide variant.
Coding change: c.1748A>G on transcript NM_001710.6 (MANE Select); coding-DNA position 1748, A replaced by G.
Protein change: p.Lys583Arg; replaces lysine 583 with arginine.
Molecular consequence: missense variant.
Genome position (GRCh38, 1-based): chr6:31,950,742, A>G. VCF-style: chr6-31950742-A-G. GRCh37 (hg19) VCF-style: chr6-31918519-A-G.
Other names: short protein forms K583R.
Identifiers: ClinVar variation 4741013 (VCV004741013.1).
Genomic context (GRCh38, chr6:31,950,742, plus strand): 5'-GGAAAAAAGAAGCAGGAATTCCTGAATTTTATGACTATGACGTTGCCCTGATCAAGCTCA[A>G]GAATAAGCTGAAATATGGCCAGACTATCAGGTGAGAGCGTCCAGATCCCTGAGGAAAGGC-3'
Protein context (NP_001701.2, residues 573-593): YDYDVALIKL[Lys583Arg]NKLKYGQTIR

ClinVar aggregate classification (germline): Uncertain significance (1 of 4 stars; one submission).

Submission:

Labcorp Genetics (formerly Invitae), Labcorp
Classification: Uncertain significance. Last evaluated: 2025-04-22. Review status: criteria provided, single submitter. Criteria: Invitae Variant Classification Sherloc (09022015). Collection method: clinical testing. Allele origin: germline.
Comment: This sequence change replaces lysine, which is basic and polar, with arginine, which is basic and polar, at codon 583 of the CFB protein (p.Lys583Arg). This variant is not present in population databases (gnomAD no frequency). This variant has not been reported in the literature in individuals affected with CFB-related conditions. Invitae Evidence Modeling of protein sequence and biophysical properties (such as structural, functional, and spatial information, amino acid conservation, physicochemical variation, residue mobility, and thermodynamic stability) indicates that this missense variant is not expected to disrupt CFB protein function with a negative predictive value of 80%. In summary, the available evidence is currently insufficient to determine the role of this variant in disease. Therefore, it has been classified as a Variant of Uncertain Significance.